The following is an entry in ClinVar:

ClinVar aggregate classification (germline): Uncertain significance (1 of 4 stars; one submission).

Submission:

Greenwood Genetic Center Diagnostic Laboratories, Greenwood Genetic Center
Classification: Uncertain significance. Last evaluated: 2025-04-25. Review status: criteria provided, single submitter. Criteria: ACMG Guidelines, 2015. Collection method: clinical testing. Allele origin: germline. Affected: yes.
Comment: PS4_Supporting, PM2, PP2, PP3

NM_001204.7(BMPR2):c.1243G>A (p.Glu415Lys)

Gene: BMPR2 (bone morphogenetic protein receptor type 2; plus strand). Cytogenetic location: 2q33.2.
Variant type: single nucleotide variant.
Coding change: c.1243G>A on transcript NM_001204.7 (MANE Select); coding-DNA position 1243, G replaced by A.
Protein change: p.Glu415Lys; replaces glutamic acid 415 with lysine.
Molecular consequence: missense variant.
Genome position (GRCh38, 1-based): chr2:202,532,699, G>A. VCF-style: chr2-202532699-G-A. GRCh37 (hg19) VCF-style: chr2-203397422-G-A.
Other names: short protein forms E415K.
Identifiers: ClinVar variation 4538396 (VCV004538396.1).